The following is an entry in ClinVar:

ClinVar aggregate classification (germline): Uncertain significance. Review status: criteria provided, multiple submitters, no conflicts (2 of 4 stars). 2 submissions from 2 submitters: Uncertain significance (2). Last evaluated 2026-05-15.

Conditions:
KIF12-related disorder. Also called: KIF12-related condition.
Cholestasis, progressive familial intrahepatic, 8. Identifiers: MedGen C5562045, MONDO:0030505, OMIM 619662.

Submissions (2):

PreventionGenetics, part of Exact Sciences
Classification: Uncertain significance for KIF12-related condition. Last evaluated: 2026-05-15. Review status: criteria provided, single submitter. Criteria: ACMG Guidelines, 2015. Collection method: clinical testing. Allele origin: germline.
Comment: The KIF12 c.688C>T variant is predicted to result in premature protein termination (p.Arg230*). To our knowledge, this variant has not been reported in the literature. This variant is reported in 0.011% of alleles in individuals of Ashkenazi Jewish descent in gnomAD. At this time, the clinical significance of this variant is uncertain due to the absence of conclusive functional and genetic evidence.

Department of Pathology and Laboratory Medicine, Sinai Health System
Classification: Uncertain significance for Cholestasis, progressive familial intrahepatic, 8. Last evaluated: 2023-02-13. Review status: criteria provided, single submitter. Criteria: ACMG Guidelines, 2015. Collection method: research. Allele origin: germline.

NM_001388308.1(KIF12):c.1102C>T (p.Arg368Ter)

Gene: KIF12 (kinesin family member 12; minus strand). Cytogenetic location: 9q32.
Variant type: single nucleotide variant.
Coding change: c.1102C>T on transcript NM_001388308.1 (MANE Select); coding-DNA position 1102, C replaced by T.
Protein change: p.Arg368Ter; replaces arginine 368 with a stop codon.
Molecular consequence: nonsense.
Genome position (GRCh38, 1-based): chr9:114,095,040, G>A on the plus strand (C>T on the coding strand, the complement: KIF12 is on the minus strand). VCF-style: chr9-114095040-G-A. GRCh37 (hg19) VCF-style: chr9-116857320-G-A.
Other names: c.688C>T (NM_138424.1); c.688C>T, p.Arg230Ter (NM_138424.2); short protein forms R230*, R368*.
Identifiers: ClinVar variation 3779794 (VCV003779794.2).
Genomic context (GRCh38, chr9:114,095,040, plus strand): 5'-CATCTCCACGCCTGTCCCTCAGCTTGTGCCTGCCTATACTCACCTTGGGGGCCTGTGGTC[G>A]GGTGGTGACCCGCTGAGCTCGGCTTGCATATCGCAGGGTGCTGAGAGTCTCAGGAAGGCA-3'